The following is an entry in ClinVar:

ClinVar aggregate classification (germline): Uncertain significance (1 of 4 stars; one submission).

Submission:

Labcorp Genetics (formerly Invitae), Labcorp
Classification: Uncertain significance. Last evaluated: 2025-02-06. Review status: criteria provided, single submitter. Criteria: Invitae Variant Classification Sherloc (09022015). Collection method: clinical testing. Allele origin: germline.
Comment: This sequence change replaces arginine, which is basic and polar, with glycine, which is neutral and non-polar, at codon 1261 of the SBF1 protein (p.Arg1261Gly). This variant is not present in population databases (gnomAD no frequency). This variant has not been reported in the literature in individuals affected with SBF1-related conditions. Invitae Evidence Modeling of protein sequence and biophysical properties (such as structural, functional, and spatial information, amino acid conservation, physicochemical variation, residue mobility, and thermodynamic stability) indicates that this missense variant is not expected to disrupt SBF1 protein function with a negative predictive value of 80%. In summary, the available evidence is currently insufficient to determine the role of this variant in disease. Therefore, it has been classified as a Variant of Uncertain Significance.

NM_002972.4(SBF1):c.3781C>G (p.Arg1261Gly)

Gene: SBF1 (SET binding factor 1; minus strand). Cytogenetic location: 22q13.33.
Variant type: single nucleotide variant.
Coding change: c.3781C>G on transcript NM_002972.4 (MANE Select); coding-DNA position 3781, C replaced by G.
Protein change: p.Arg1261Gly; replaces arginine 1261 with glycine.
Molecular consequence: missense variant.
Genome position (GRCh38, 1-based): chr22:50,459,300, G>C on the plus strand (C>G on the coding strand, the complement: SBF1 is on the minus strand). VCF-style: chr22-50459300-G-C. GRCh37 (hg19) VCF-style: chr22-50897729-G-C.
Other names: c.3784C>G, p.Arg1262Gly (NM_001365819.1, NM_001410794.1); c.3781C>G, p.Arg1261Gly (NM_001410795.1); short protein forms R1262G, R1261G.
Identifiers: ClinVar variation 3713800 (VCV003713800.2).
Genomic context (GRCh38, chr22:50,459,300, plus strand): 5'-CACAAGCACCCTCACCGTGACTGCCCATGTGGGCTGAGGAGAAGCCGCTAAGCGTGTTGC[G>C]TCCCGACGCGTCGGCGTAGCGGGGCATGGAGCTGACCACAGCCTGCAGGTACTTCTCCTG-3'
Protein context (NP_002963.2, residues 1251-1271): SMPRYADASG[Arg1261Gly]NTLSGFSSAH